The following is an entry in ClinVar:

ClinVar aggregate classification (germline): Likely pathogenic (1 of 4 stars; one submission).

Conditions:
Joubert syndrome and related disorders. Identifiers: Orphanet 140874, MedGen C5679612, MONDO:0015369.

Submission:

Women's Health and Genetics/Laboratory Corporation of America, LabCorp
Classification: Likely pathogenic for Joubert syndrome and related disorders. Last evaluated: 2022-07-25. Review status: criteria provided, single submitter. Criteria: LabCorp Variant Classification Summary - May 2015. Collection method: clinical testing. Allele origin: germline.
Comment: Variant summary: The variant identified by MLPA or other technology involves the deletion of part of exon 2 and whole exon 3 in the ARL13B gene. A presumed nomenclature of c.117_(380+1_381-1)del has been designated for the purposes of this classification. Although exact breakpoints of this deletion are not known, it is expected to result in a large in-frame deletion change in the Small GTP-binding protein domain in the ARL13B gene, a known mechanism of disease. The variant was absent in 21694 control chromosomes. To our knowledge, no occurrence of c.117_(380+1_381-1)del in individuals affected with Joubert Syndrome And Related Disorders and no experimental evidence demonstrating its impact on protein function have been reported. No clinical diagnostic laboratories have submitted clinical-significance assessments for this variant to ClinVar after 2014. Based on the evidence outlined above, the variant was classified as likely pathogenic.

NC_000003.11:g.93714775_(93722753_93754174)del

Gene: ARL13B (ARF like GTPase 13B; plus strand).
Variant type: Deletion.
Identifiers: ClinVar variation 1704628 (VCV001704628.1).